The following is an entry in ClinVar:

NM_001037333.3(CYFIP2):c.2985C>G (p.Ser995Arg)

Gene: CYFIP2 (cytoplasmic FMR1 interacting protein 2; plus strand). Cytogenetic location: 5q33.3.
Variant type: single nucleotide variant.
Coding change: c.2985C>G on transcript NM_001037333.3 (MANE Select); coding-DNA position 2985, C replaced by G.
Protein change: p.Ser995Arg; replaces serine 995 with arginine.
Molecular consequence: missense variant.
Genome position (GRCh38, 1-based): chr5:157,361,544, C>G. VCF-style: chr5-157361544-C-G. GRCh37 (hg19) VCF-style: chr5-156788552-C-G.
Other names: c.2907C>G, p.Ser969Arg (NM_001291721.2); c.3060C>G, p.Ser1020Arg (NM_001291722.2); c.2985C>G, p.Ser995Arg (NM_014376.4); short protein forms S969R, S1020R, S995R.
Identifiers: ClinVar variation 2748853 (VCV002748853.3), dbSNP rs1763826306, ClinGen allele CA361977830.

ClinVar aggregate classification (germline): Uncertain significance (1 of 4 stars; one submission).

Submission:

Labcorp Genetics (formerly Invitae), Labcorp
Classification: Uncertain significance. Last evaluated: 2023-05-23. Review status: criteria provided, single submitter. Criteria: Invitae Variant Classification Sherloc (09022015). Collection method: clinical testing. Allele origin: germline.
Comment: This sequence change replaces serine, which is neutral and polar, with arginine, which is basic and polar, at codon 995 of the CYFIP2 protein (p.Ser995Arg). This variant is not present in population databases (gnomAD no frequency). This variant has not been reported in the literature in individuals affected with CYFIP2-related conditions. Experimental studies and prediction algorithms are not available or were not evaluated, and the functional significance of this variant is currently unknown. In summary, the available evidence is currently insufficient to determine the role of this variant in disease. Therefore, it has been classified as a Variant of Uncertain Significance.